The following is an entry in ClinVar:

NM_000531.6(OTC):c.779T>C (p.Leu260Ser)

Gene: OTC (ornithine transcarbamylase; plus strand). Cytogenetic location: Xp11.4.
Variant type: single nucleotide variant.
Coding change: c.779T>C on transcript NM_000531.6 (MANE Select); coding-DNA position 779, T replaced by C.
Protein change: p.Leu260Ser; replaces leucine 260 with serine.
Molecular consequence: missense variant.
Genome position (GRCh38, 1-based): chrX:38,408,937, T>C. VCF-style: chrX-38408937-T-C. GRCh37 (hg19) VCF-style: chrX-38268190-T-C.
Other names: short protein forms L260S.
Identifiers: ClinVar variation 97318 (VCV000097318.2), dbSNP rs72558441, ClinGen allele CA224778.

ClinVar aggregate classification (germline): Pathogenic (0 of 4 stars; one submission).

Submission:

GenMed Metabolism Lab
Classification: Pathogenic. Review status: no assertion criteria provided. Collection method: not provided. Allele origin: unknown.
ClinVar note: Converted during submission from pathogenic to Pathogenic.